The following is an entry in ClinVar:

NM_000222.3(KIT):c.1330C>T (p.Pro444Ser)

Gene: KIT (KIT proto-oncogene, receptor tyrosine kinase; plus strand). Cytogenetic location: 4q12.
Variant type: single nucleotide variant.
Coding change: c.1330C>T on transcript NM_000222.3 (MANE Select); coding-DNA position 1330, C replaced by T.
Protein change: p.Pro444Ser; replaces proline 444 with serine.
Molecular consequence: missense variant.
Genome position (GRCh38, 1-based): chr4:54,723,682, C>T. VCF-style: chr4-54723682-C-T. GRCh37 (hg19) VCF-style: chr4-55589848-C-T.
Other names: c.1330C>T (NM_000222.2); c.1330C>T, p.Pro444Ser (NM_001093772.2, NM_001385285.1, NM_001385286.1); c.1333C>T, p.Pro445Ser (NM_001385284.1, NM_001385288.1, NM_001385290.1 and 1 more transcripts); short protein forms P444S, P445S.
Identifiers: ClinVar variation 1419884 (VCV001419884.9), dbSNP rs2109761315, ClinGen allele CA356905753.

ClinVar aggregate classification (germline): Uncertain significance. Review status: criteria provided, multiple submitters, no conflicts (2 of 4 stars). 2 submissions from 2 submitters: Uncertain significance (2). Last evaluated 2025-07-01.

Conditions:
Hereditary cancer-predisposing syndrome. Also called: Tumor predisposition; Hereditary Cancer Syndrome; Hereditary neoplastic syndrome; Neoplastic Syndromes, Hereditary. Identifiers: Orphanet 140162, MedGen C0027672, MeSH D009386, MONDO:0015356.
Gastrointestinal stromal tumor. Also called: Gastrointestinal stroma tumor; Gastrointestinal stromal tumor, somatic. Identifiers: Orphanet 44890, MedGen C0238198, MeSH D046152, MONDO:0011719, OMIM 606764, HP:0100723.

Submissions (2):

Ambry Genetics
Classification: Uncertain significance for Hereditary cancer-predisposing syndrome. Last evaluated: 2025-07-01. Review status: criteria provided, single submitter. Criteria: Ambry Variant Classification Scheme 2023. Collection method: clinical testing. Allele origin: germline.
Comment: The p.P444S variant (also known as c.1330C>T), located in coding exon 8 of the KIT gene, results from a C to T substitution at nucleotide position 1330. The proline at codon 444 is replaced by serine, an amino acid with similar properties. This amino acid position is conserved. In addition, this alteration is predicted to be tolerated by in silico analysis. Based on the available evidence, the clinical significance of this variant remains unclear.

Labcorp Genetics (formerly Invitae), Labcorp
Classification: Uncertain significance for Gastrointestinal stromal tumor. Last evaluated: 2021-05-15. Review status: criteria provided, single submitter. Criteria: Invitae Variant Classification Sherloc (09022015). Collection method: clinical testing. Allele origin: germline.
Comment: In summary, the available evidence is currently insufficient to determine the role of this variant in disease. Therefore, it has been classified as a Variant of Uncertain Significance. Algorithms developed to predict the effect of missense changes on protein structure and function output the following: SIFT: "Tolerated"; PolyPhen-2: "Benign"; Align-GVGD: "Class C0". The serine amino acid residue is found in multiple mammalian species, suggesting that this missense change does not adversely affect protein function. These predictions have not been confirmed by published functional studies and their clinical significance is uncertain. This variant has not been reported in the literature in individuals with KIT-related conditions. This variant is not present in population databases (ExAC no frequency). This sequence change replaces proline with serine at codon 444 of the KIT protein (p.Pro444Ser). The proline residue is moderately conserved and there is a moderate physicochemical difference between proline and serine.